The following is an entry in ClinVar:

NM_022124.6(CDH23):c.9191C>T (p.Ala3064Val)

Gene: CDH23 (cadherin related 23; plus strand). Cytogenetic location: 10q22.1.
Variant type: single nucleotide variant.
Coding change: c.9191C>T on transcript NM_022124.6 (MANE Select); coding-DNA position 9191, C replaced by T.
Protein change: p.Ala3064Val; replaces alanine 3064 with valine.
Molecular consequence: missense variant.
Genome position (GRCh38, 1-based): chr10:71,811,428, C>T. VCF-style: chr10-71811428-C-T. GRCh37 (hg19) VCF-style: chr10-73571185-C-T.
Other names: c.2471C>T, p.Ala824Val (NM_001171933.1, NM_001171934.1); short protein forms A3064V, A824V.
Identifiers: ClinVar variation 1062249 (VCV001062249.6), dbSNP rs767503430, ClinGen allele CA5546910.

ClinVar aggregate classification (germline): Uncertain significance (1 of 4 stars; one submission).

Allele frequency attached by ClinVar (database versions not stated): ExAC 0.00001; gnomAD exomes below 0.00001.

Submission:

Labcorp Genetics (formerly Invitae), Labcorp
Classification: Uncertain significance. Last evaluated: 2021-08-24. Review status: criteria provided, single submitter. Criteria: Invitae Variant Classification Sherloc (09022015). Collection method: clinical testing. Allele origin: germline.
Comment: This sequence change replaces alanine with valine at codon 3064 of the CDH23 protein (p.Ala3064Val). The alanine residue is highly conserved and there is a small physicochemical difference between alanine and valine. This variant is present in population databases (rs767503430, ExAC 0.01%). This variant has not been reported in the literature in individuals affected with CDH23-related conditions. Algorithms developed to predict the effect of missense changes on protein structure and function are either unavailable or do not agree on the potential impact of this missense change (SIFT: "Deleterious"; PolyPhen-2: "Not Available"; Align-GVGD: "Class C0"). In summary, the available evidence is currently insufficient to determine the role of this variant in disease. Therefore, it has been classified as a Variant of Uncertain Significance.